The following is an entry in ClinVar:

ClinVar aggregate classification (germline): Conflicting classifications of pathogenicity. Review status: criteria provided, conflicting classifications (1 of 4 stars). 4 submissions from 4 submitters: Uncertain significance (2); Likely benign (2). Last evaluated 2026-01-26.

Conditions:
Birt-Hogg-Dube syndrome. Also called: Birt Hogg Dubé syndrome. Identifiers: Orphanet 122, MedGen C0346010, MONDO:0800444.
Colorectal cancer. Also called: Colorectal cancer, somatic; Malignant Colorectal Neoplasm. Identifiers: MedGen C0346629, MONDO:0005575, OMIM 114500.
Nonpapillary renal cell carcinoma. Identifiers: Orphanet 422526, MedGen CN074294, MONDO:0007763, OMIM 144700.
Familial spontaneous pneumothorax (PSP). Identifiers: Orphanet 2903, MedGen C1868193, MONDO:0008259, OMIM 173600.
17p11.2 microduplication syndrome (PTLS). Also called: CHROMOSOME 17p11.2 DUPLICATION SYNDROME; Potocki-Lupski syndrome; Duplication 17p11.2 syndrome; Potocki-Lupski syndrome (dup(17)(p11.2p11.2)). Identifiers: Orphanet 1713, MedGen C2931246, MONDO:0012574, OMIM 610883.
Hereditary cancer-predisposing syndrome. Also called: Hereditary neoplastic syndrome; Neoplastic Syndromes, Hereditary; Tumor predisposition; Hereditary Cancer Syndrome. Identifiers: Orphanet 140162, MedGen C0027672, MeSH D009386, MONDO:0015356.

Allele frequency attached by ClinVar (database versions not stated): ExAC 0.00002; gnomAD exomes 0.00002; gnomAD 0.00003; TOPMed 0.00003.
gnomAD v4.1: 41 of 1,614,074 alleles (0.0025%); highest among the groups gnomAD compares: Non-Finnish European, 0.0027%; no homozygotes.

Submissions (4):

Labcorp Genetics (formerly Invitae), Labcorp
Classification: Likely benign for Birt-Hogg-Dube syndrome. Last evaluated: 2026-01-26. Review status: criteria provided, single submitter. Criteria: Invitae Variant Classification Sherloc (09022015). Collection method: clinical testing. Allele origin: germline.

Ambry Genetics
Classification: Likely benign for Hereditary cancer-predisposing syndrome. Last evaluated: 2022-06-03. Review status: criteria provided, single submitter. Criteria: Ambry Variant Classification Scheme 2023. Collection method: clinical testing. Allele origin: germline.

Fulgent Genetics
Classification: Uncertain significance for Colorectal cancer; Birt-Hogg-Dube syndrome 1; Nonpapillary renal cell carcinoma; Familial spontaneous pneumothorax; 17p11.2 microduplication syndrome. Last evaluated: 2022-04-01. Review status: criteria provided, single submitter. Criteria: ACMG Guidelines, 2015. Collection method: clinical testing. Allele origin: unknown.

Sema4
Classification: Uncertain significance for Hereditary cancer-predisposing syndrome. Last evaluated: 2022-03-01. Review status: criteria provided, single submitter. Criteria: Sema4 Curation Guidelines. Collection method: curation. Allele origin: germline.
Comment: The FLCN c.779+5C>T variant has not been reported in the literature to our knowledge. This variant was observed in 6/282752 chromosomes across all populations, with no homozygotes, in the Genome Aggregation Database (PMID: 32461654). The variant has been reported in ClinVar (Variation ID: 485582). Algorithms developed to predict the effect of sequence changes on RNA splicing suggest that this variant is not likely to affect RNA splicing, but this prediction has not been confirmed by transcriptional studies. The evidence is insufficient to meet ACMG/AMP criteria for classifying the variant as benign or pathogenic. Thus, the clinical significance of this variant is currently uncertain.

NM_144997.7(FLCN):c.779+5C>T

Gene: FLCN (folliculin; minus strand). Cytogenetic location: 17p11.2.
Variant type: single nucleotide variant.
Coding change: c.779+5C>T on transcript NM_144997.7 (MANE Select); 5 bases into the intron after coding-DNA position 779, C replaced by T.
Molecular consequence: intron variant.
Genome position (GRCh38, 1-based): chr17:17,222,496, G>A on the plus strand (C>T on the coding strand, the complement: FLCN is on the minus strand). VCF-style: chr17-17222496-G-A. GRCh37 (hg19) VCF-style: chr17-17125810-G-A.
Other names: c.779+5C>T (LRG_325t1, NM_001353231.2, NM_001353230.2 and 1 more transcripts); c.833+5C>T (NM_001353229.2).
Identifiers: ClinVar variation 485582 (VCV000485582.15), dbSNP rs745645385, ClinGen allele CA8416320.